The following is an entry in ClinVar:

NM_001130823.3(DNMT1):c.1844C>T (p.Ala615Val)

Gene: DNMT1 (DNA methyltransferase 1; minus strand). Cytogenetic location: 19p13.2.
Variant type: single nucleotide variant.
Coding change: c.1844C>T on transcript NM_001130823.3 (MANE Select); coding-DNA position 1844, C replaced by T.
Protein change: p.Ala615Val; replaces alanine 615 with valine.
Molecular consequence: missense variant.
Genome position (GRCh38, 1-based): chr19:10,154,468, G>A on the plus strand (C>T on the coding strand, the complement: DNMT1 is on the minus strand). VCF-style: chr19-10154468-G-A. GRCh37 (hg19) VCF-style: chr19-10265144-G-A.
Other names: c.1796C>T, p.Ala599Val (NM_001318730.2, NM_001379.4); c.1481C>T, p.Ala494Val (NM_001318731.2); short protein forms A494V, A599V, A615V.
Identifiers: ClinVar variation 1780269 (VCV001780269.3), dbSNP rs753235229, ClinGen allele CA9188181.

ClinVar aggregate classification (germline): Uncertain significance. Review status: criteria provided, multiple submitters, no conflicts (2 of 4 stars). 2 submissions from 2 submitters: Uncertain significance (2). Last evaluated 2025-02-24.

Conditions:
Inborn genetic diseases. Identifiers: MedGen C0950123, MeSH D030342.

Allele frequency attached by ClinVar (database versions not stated): gnomAD exomes below 0.00001; TOPMed below 0.00001; ExAC 0.00001; gnomAD 0.00001.
gnomAD v4.1: 5 of 1,614,036 alleles (0.00031%); highest among the groups gnomAD compares: South Asian, 0.0011%; no homozygotes.

Submissions (2):

Women's Health and Genetics/Laboratory Corporation of America, LabCorp
Classification: Uncertain significance. Last evaluated: 2025-02-24. Review status: criteria provided, single submitter. Criteria: LabCorp Variant Classification Summary - May 2015. Collection method: clinical testing. Allele origin: germline.
Comment: Variant summary: DNMT1 c.1844C>T (p.Ala615Val) results in a non-conservative amino acid change in the encoded protein sequence. Four of five in-silico tools predict a benign effect of the variant on protein function. The variant allele was found at a frequency of 4e-06 in 251408 control chromosomes. The available data on variant occurrences in the general population are insufficient to allow any conclusion about variant significance. To our knowledge, no occurrence of c.1844C>T in individuals affected with Autosomal dominant cerebellar ataxia, deafness and narcolepsy and no experimental evidence demonstrating its impact on protein function have been reported. ClinVar contains an entry for this variant (Variation ID: 1780269). Based on the evidence outlined above, the variant was classified as uncertain significance.

Ambry Genetics
Classification: Uncertain significance for Inborn genetic diseases. Last evaluated: 2020-02-27. Review status: criteria provided, single submitter. Criteria: Ambry Variant Classification Scheme 2023. Collection method: clinical testing. Allele origin: germline.
Comment: The p.A599V variant (also known as c.1796C>T), located in coding exon 21 of the DNMT1 gene, results from a C to T substitution at nucleotide position 1796. The alanine at codon 599 is replaced by valine, an amino acid with similar properties. This amino acid position is not conserved on species alignment. In addition, this alteration is predicted to be tolerated by in silico analysis. Since supporting evidence is limited at this time, the clinical significance of this alteration remains unclear.